The following is an entry in ClinVar:

ClinVar aggregate classification (germline): Uncertain significance (1 of 4 stars; one submission).

Conditions:
Gray platelet syndrome (GPS). Also called: BLEEDING DISORDER, PLATELET-TYPE, 4. Identifiers: Orphanet 721, MedGen C0272302, MONDO:0007686, OMIM 139090.

Allele frequency attached by ClinVar (database versions not stated): gnomAD exomes below 0.00001.
gnomAD v4.1: 2 of 1,613,640 alleles (0.00012%); highest among the groups gnomAD compares: South Asian, 0.0022%; 1 homozygote.

Submission:

NIHR Bioresource Rare Diseases, University of Cambridge
Classification: Uncertain significance for Gray platelet syndrome. Last evaluated: 2020-03-01. Review status: criteria provided, single submitter. Criteria: ACMG Guidelines, 2015. Collection method: research. Allele origin: unknown. Inheritance: Autosomal recessive inheritance. Affected: yes.
Comment: ACMG criteria: PM2, PP3, PP4

Literature cited by the submitters: PubMed 32693407; PubMed 31064749.

NM_015175.3(NBEAL2):c.6460T>C (p.Phe2154Leu)

Gene: NBEAL2 (neurobeachin like 2; plus strand). Cytogenetic location: 3p21.31.
Variant type: single nucleotide variant.
Coding change: c.6460T>C on transcript NM_015175.3 (MANE Select); coding-DNA position 6460, T replaced by C.
Protein change: p.Phe2154Leu; replaces phenylalanine 2154 with leucine.
Molecular consequence: missense variant.
Genome position (GRCh38, 1-based): chr3:47,005,221, T>C. VCF-style: chr3-47005221-T-C. GRCh37 (hg19) VCF-style: chr3-47046711-T-C.
Other names: c.6358T>C, p.Phe2120Leu (NM_001365116.2); short protein forms F2154L, F2120L.
Identifiers: ClinVar variation 627111 (VCV000627111.2), dbSNP rs1575623184, ClinGen allele CA352531992.